The following is an entry in ClinVar:

ClinVar aggregate classification (germline): Pathogenic (1 of 4 stars; one submission).

Conditions:
Warburg micro syndrome 4 (WARBM4). Identifiers: Orphanet 2510, MedGen C3810265, MONDO:0014296, OMIM 615663.

gnomAD v4.1: 4 of 1,613,994 alleles (0.00025%); highest among the groups gnomAD compares: Non-Finnish European, 0.00034%; no homozygotes.

Submission:

Institute of Medical Genetics and Applied Genomics, University Hospital Tübingen
Classification: Pathogenic for Warburg micro syndrome 4. Last evaluated: 2025-06-30. Review status: criteria provided, single submitter. Criteria: ACMG Guidelines, 2015. Collection method: clinical testing. Allele origin: germline. Inheritance: Autosomal recessive inheritance. Affected: yes.
Comment: mRNA-seq confirms splice-effect with predicted fs-effect

NM_144628.4(TBC1D20):c.474C>T (p.Gly158=)

Gene: TBC1D20 (TBC1 domain family member 20; minus strand). Cytogenetic location: 20p13.
Variant type: single nucleotide variant.
Coding change: c.474C>T on transcript NM_144628.4 (MANE Select); coding-DNA position 474, C replaced by T.
Protein change: p.Gly158=; no amino-acid change (glycine 158 retained).
Molecular consequence: synonymous variant. On other transcripts: non-coding transcript variant (1).
Genome position (GRCh38, 1-based): chr20:441,907, G>A on the plus strand (C>T on the coding strand, the complement: TBC1D20 is on the minus strand). VCF-style: chr20-441907-G-A. GRCh37 (hg19) VCF-style: chr20-422551-G-A.
Identifiers: ClinVar variation 3906950 (VCV003906950.1).